The following is an entry in ClinVar:

NM_052947.4(ALPK2):c.5687G>T (p.Ser1896Ile)

Gene: ALPK2 (alpha kinase 2; minus strand). Cytogenetic location: 18q21.31.
Variant type: single nucleotide variant.
Coding change: c.5687G>T on transcript NM_052947.4 (MANE Select); coding-DNA position 5687, G replaced by T.
Protein change: p.Ser1896Ile; replaces serine 1896 with isoleucine.
Molecular consequence: missense variant.
Genome position (GRCh38, 1-based): chr18:58,517,161, C>A on the plus strand (G>T on the coding strand, the complement: ALPK2 is on the minus strand). VCF-style: chr18-58517161-C-A. GRCh37 (hg19) VCF-style: chr18-56184393-C-A.
Other names: short protein forms S1896I.
Identifiers: ClinVar variation 3228807 (VCV003228807.1), dbSNP rs2518863017, ClinGen allele CA402549341.

ClinVar aggregate classification (germline): Uncertain significance (1 of 4 stars; one submission).

Submission:

Ambry Genetics
Classification: Uncertain significance. Last evaluated: 2024-03-06. Review status: criteria provided, single submitter. Criteria: Ambry Variant Classification Scheme 2023. Collection method: clinical testing. Allele origin: germline.
Comment: The p.S1896I variant (also known as c.5687G>T), located in coding exon 8 of the ALPK2 gene, results from a G to T substitution at nucleotide position 5687. The serine at codon 1896 is replaced by isoleucine, an amino acid with dissimilar properties. This amino acid position is conserved. In addition, the in silico prediction for this alteration is inconclusive. Based on the available evidence, the clinical significance of this alteration remains unclear.